The following is an entry in ClinVar:

NM_018979.4(WNK1):c.6959T>C (p.Met2320Thr)

Gene: WNK1 (WNK lysine deficient protein kinase 1; plus strand). Cytogenetic location: 12p13.33.
Variant type: single nucleotide variant.
Coding change: c.6959T>C on transcript NM_018979.4 (MANE Select); coding-DNA position 6959, T replaced by C.
Protein change: p.Met2320Thr; replaces methionine 2320 with threonine.
Molecular consequence: missense variant.
Genome position (GRCh38, 1-based): chr12:908,602, T>C. VCF-style: chr12-908602-T-C. GRCh37 (hg19) VCF-style: chr12-1017768-T-C.
Other names: c.7739T>C, p.Met2580Thr (NM_001184985.2); c.6215T>C, p.Met2072Thr (NM_014823.3); c.7715T>C, p.Met2572Thr (NM_213655.5); short protein forms M2572T, M2072T, M2320T, M2580T.
Identifiers: ClinVar variation 2065841 (VCV002065841.4), dbSNP rs371290073, ClinGen allele CA6383538.

ClinVar aggregate classification (germline): Uncertain significance (1 of 4 stars; one submission).

Conditions:
Neuropathy, hereditary sensory and autonomic, type 2A (HSAN2A). Also called: ACROOSTEOLYSIS, GIACCAI TYPE; ACROOSTEOLYSIS, NEUROGENIC; MORVAN DISEASE; NEUROPATHY, CONGENITAL SENSORY; NEUROPATHY, HEREDITARY SENSORY RADICULAR, AUTOSOMAL RECESSIVE; NEUROPATHY, HEREDITARY SENSORY, TYPE IIA. Identifiers: Orphanet 970, MedGen C2752089, MONDO:0024309, OMIM 201300.
Pseudohypoaldosteronism type 2C (PHA2C). Also called: Pseudohypoaldosteronism Type IIC. Identifiers: Orphanet 757, Orphanet 88940, MedGen C1840391, MONDO:0013778, OMIM 614492.

Allele frequency attached by ClinVar (database versions not stated): gnomAD exomes below 0.00001; ExAC 0.00001; ESP Exome Variant Server 0.00008.
gnomAD v4.1: 1 of 1,614,196 alleles (0.000062%); highest among the groups gnomAD compares: East Asian, 0.0022%; no homozygotes.

Submission:

Labcorp Genetics (formerly Invitae), Labcorp
Classification: Uncertain significance for Neuropathy, hereditary sensory and autonomic, type 2A; Pseudohypoaldosteronism type 2C. Last evaluated: 2022-07-22. Review status: criteria provided, single submitter. Criteria: Invitae Variant Classification Sherloc (09022015). Collection method: clinical testing. Allele origin: germline.
Comment: This sequence change replaces methionine, which is neutral and non-polar, with threonine, which is neutral and polar, at codon 2572 of the WNK1 protein (p.Met2572Thr). This variant is present in population databases (rs371290073, gnomAD 0.0009%). This variant has not been reported in the literature in individuals affected with WNK1-related conditions. Advanced modeling of protein sequence and biophysical properties (such as structural, functional, and spatial information, amino acid conservation, physicochemical variation, residue mobility, and thermodynamic stability) performed at Invitae indicates that this missense variant is not expected to disrupt WNK1 protein function. In summary, the available evidence is currently insufficient to determine the role of this variant in disease. Therefore, it has been classified as a Variant of Uncertain Significance.